The following is an entry in ClinVar:

NM_001112741.2(KCNC1):c.1504G>A (p.Asp502Asn)

Gene: KCNC1 (potassium voltage-gated channel subfamily C member 1; plus strand). Cytogenetic location: 11p15.1.
Variant type: single nucleotide variant.
Coding change: c.1504G>A on transcript NM_001112741.2 (MANE Select); coding-DNA position 1504, G replaced by A.
Protein change: p.Asp502Asn; replaces aspartic acid 502 with asparagine.
Molecular consequence: missense variant.
Genome position (GRCh38, 1-based): chr11:17,772,598, G>A. VCF-style: chr11-17772598-G-A. GRCh37 (hg19) VCF-style: chr11-17794145-G-A.
Other names: c.1504G>A, p.Gly502Ser (NM_004976.4); short protein forms G502S, D502N.
Identifiers: ClinVar variation 960153 (VCV000960153.10), dbSNP rs1849242580, ClinGen allele CA379810375.

ClinVar aggregate classification (germline): Uncertain significance (1 of 4 stars; one submission).

Conditions:
Progressive myoclonic epilepsy type 7. Identifiers: Orphanet 435438, MedGen C4015420, MONDO:0014521, OMIM 616187.

Submission:

Labcorp Genetics (formerly Invitae), Labcorp
Classification: Uncertain significance for Progressive myoclonic epilepsy type 7. Last evaluated: 2020-12-14. Review status: criteria provided, single submitter. Criteria: Invitae Variant Classification Sherloc (09022015). Collection method: clinical testing. Allele origin: germline.
Comment: In summary, the available evidence is currently insufficient to determine the role of this variant in disease. Therefore, it has been classified as a Variant of Uncertain Significance. Nucleotide substitutions within the consensus splice site are a relatively common cause of aberrant splicing (PMID: 17576681, 9536098). Algorithms developed to predict the effect of sequence changes on RNA splicing suggest that this variant may disrupt the consensus splice site, but this prediction has not been confirmed by published transcriptional studies. Algorithms developed to predict the effect of missense changes on protein structure and function (SIFT, PolyPhen-2, Align-GVGD) all suggest that this variant is likely to be tolerated, but these predictions have not been confirmed by published functional studies and their clinical significance is uncertain. This variant has not been reported in the literature in individuals with KCNC1-related conditions. This variant is not present in population databases (ExAC no frequency). This sequence change replaces aspartic acid with asparagine at codon 502 of the KCNC1 protein (p.Asp502Asn). The aspartic acid residue is weakly conserved and there is a small physicochemical difference between aspartic acid and asparagine. This variant also falls at the last nucleotide of exon 2 of the KCNC1 coding sequence, which is part of the consensus splice site for this exon.

Literature cited by the submitters: PubMed 17576681; PubMed 9536098.